The following is an entry in ClinVar:

NM_000371.4(TTR):c.169G>A (p.Ala57Thr)

Gene: TTR (transthyretin; plus strand). Cytogenetic location: 18q12.1.
Variant type: single nucleotide variant.
Coding change: c.169G>A on transcript NM_000371.4 (MANE Select); coding-DNA position 169, G replaced by A.
Protein change: p.Ala57Thr; replaces alanine 57 with threonine.
Molecular consequence: missense variant.
Genome position (GRCh38, 1-based): chr18:31,592,995, G>A. VCF-style: chr18-31592995-G-A. GRCh37 (hg19) VCF-style: chr18-29172958-G-A.
Other names: short protein forms A57T.
Identifiers: ClinVar variation 538165 (VCV000538165.9), dbSNP rs1380447419, ClinGen allele CA402156820.

ClinVar aggregate classification (germline): Uncertain significance (1 of 4 stars; one submission).

Conditions:
Amyloidosis, hereditary systemic 1 (AMYLD1). Also called: Hereditary oculoleptomeningeal amyloid angiopathy; Familial Transthyretin Amyloidosis; AMYLOID CARDIOMYOPATHY; Familial amyloid polyneuropathy; Transthyretin Amyloidosis; Isolated Cardiac Amyloidosis. Identifiers: Orphanet 85447, Orphanet 85451, MedGen C2751492, MONDO:0971004, OMIM 105210.

Allele frequency attached by ClinVar (database versions not stated): gnomAD exomes below 0.00001 and 0.00001.
gnomAD v4.1: 11 of 1,614,098 alleles (0.00068%); highest among the groups gnomAD compares: African/African-American, 0.0013%; no homozygotes.

Submission:

Labcorp Genetics (formerly Invitae), Labcorp
Classification: Uncertain significance for Amyloidosis, hereditary systemic 1. Last evaluated: 2025-09-16. Review status: criteria provided, single submitter. Criteria: Invitae Variant Classification Sherloc (09022015). Collection method: clinical testing. Allele origin: germline.
Comment: This sequence change replaces alanine, which is neutral and non-polar, with threonine, which is neutral and polar, at codon 57 of the TTR protein (p.Ala57Thr). This variant is present in population databases (no rsID available, gnomAD 0.007%). This missense change has been observed in individual(s) with hypertrophic cardiomyopathy (PMID: 28790153). ClinVar contains an entry for this variant (Variation ID: 538165). Invitae Evidence Modeling of protein sequence and biophysical properties (such as structural, functional, and spatial information, amino acid conservation, physicochemical variation, residue mobility, and thermodynamic stability) indicates that this missense variant is expected to disrupt TTR protein function with a positive predictive value of 95%. In summary, the available evidence is currently insufficient to determine the role of this variant in disease. Therefore, it has been classified as a Variant of Uncertain Significance.

Literature cited by the submitters: PubMed 28790153.